The following is an entry in ClinVar:

ClinVar aggregate classification (germline): Uncertain significance (1 of 4 stars; one submission).

Allele frequency attached by ClinVar (database versions not stated): ExAC 0.00001.
gnomAD v4.1: 20 of 1,614,118 alleles (0.0012%); highest among the groups gnomAD compares: African/African-American, 0.0013%; no homozygotes.

Submission:

Labcorp Genetics (formerly Invitae), Labcorp
Classification: Uncertain significance. Last evaluated: 2025-10-26. Review status: criteria provided, single submitter. Criteria: Invitae Variant Classification Sherloc (09022015). Collection method: clinical testing. Allele origin: germline.
Comment: This sequence change replaces arginine, which is basic and polar, with histidine, which is basic and polar, at codon 328 of the NLRP1 protein (p.Arg328His). This variant is present in population databases (rs202119862, gnomAD 0.01%). This variant has not been reported in the literature in individuals affected with NLRP1-related conditions. ClinVar contains an entry for this variant (Variation ID: 1916521). An algorithm developed to predict the effect of missense changes on protein structure and function outputs the following: PolyPhen-2: "Benign". The histidine amino acid residue is found in multiple mammalian species, which suggests that this missense change does not adversely affect protein function. In summary, the available evidence is currently insufficient to determine the role of this variant in disease. Therefore, it has been classified as a Variant of Uncertain Significance.

NM_033004.4(NLRP1):c.983G>A (p.Arg328His)

Gene: NLRP1 (NLR family pyrin domain containing 1; minus strand). Cytogenetic location: 17p13.2.
Variant type: single nucleotide variant.
Coding change: c.983G>A on transcript NM_033004.4 (MANE Select); coding-DNA position 983, G replaced by A.
Protein change: p.Arg328His; replaces arginine 328 with histidine.
Molecular consequence: missense variant.
Genome position (GRCh38, 1-based): chr17:5,559,713, C>T on the plus strand (G>A on the coding strand, the complement: NLRP1 is on the minus strand). VCF-style: chr17-5559713-C-T. GRCh37 (hg19) VCF-style: chr17-5463033-C-T.
Other names: c.983G>A, p.Arg328His (NM_001033053.3, NM_014922.5, NM_033006.4 and 1 more transcripts); short protein forms R328H.
Identifiers: ClinVar variation 1916521 (VCV001916521.5), dbSNP rs202119862, ClinGen allele CA8327453.